The following is an entry in ClinVar:

NM_001267550.2(TTN):c.80943dup (p.Phe26982fs)

Genes: TTN-AS1 (TTN antisense RNA 1; plus strand), TTN (titin; minus strand). Cytogenetic location: 2q31.2.
Variant type: Duplication.
Coding change: c.80943dup on transcript NM_001267550.2 (MANE Select); coding-DNA position 80943, one base duplicated (G; older notation c.80943dupG).
Protein change: p.Phe26982fs; shifts the reading frame from phenylalanine 26982.
Molecular consequence: frameshift variant.
Genome position (GRCh38, 1-based): chr2:178,565,189, C duplicated on the plus strand (G on the coding strand, the reverse complement: TTN is on the minus strand); the first of 2 consecutive C bases (chr2:178,565,189-178,565,190); duplicating either gives the same sequence. VCF-style (leftmost placement, unchanged base first): chr2-178565188-A-AC. GRCh37 (hg19) VCF-style: chr2-179429915-A-AC.
Other names: c.76020dup, p.Phe25341fs (NM_001256850.1); c.53748dup, p.Phe17917fs (NM_003319.4); c.73239dup, p.Phe24414fs (NM_133378.4); c.54123dup, p.Phe18042fs (NM_133432.3); c.54324dup, p.Phe18109fs (NM_133437.4); short protein forms F18042fs, F25341fs, F18109fs, F24414fs, F17917fs, F26982fs.
Identifiers: ClinVar variation 2112593 (VCV002112593.5), dbSNP rs2468236538, ClinGen allele CA2580064806.

ClinVar aggregate classification (germline): Likely pathogenic. Review status: criteria provided, multiple submitters, no conflicts (2 of 4 stars). 2 submissions from 2 submitters: Likely pathogenic (2). Last evaluated 2025-12-15.

Conditions:
Dilated cardiomyopathy 1G (CMD1G). Identifiers: Orphanet 154, MedGen C1858763, MONDO:0011400, OMIM 604145.
Autosomal recessive limb-girdle muscular dystrophy type 2J (LGMDR10). Also called: Limb-girdle muscular dystrophy, type 2J; MUSCULAR DYSTROPHY, LIMB-GIRDLE, AUTOSOMAL RECESSIVE 10. Identifiers: Orphanet 140922, MedGen C1837342, MONDO:0012127, OMIM 608807.

Submissions (2):

Victorian Clinical Genetics Services, Murdoch Childrens Research Institute
Classification: Likely pathogenic for Dilated cardiomyopathy 1G. Last evaluated: 2025-12-15. Review status: criteria provided, single submitter. Criteria: ACMG Guidelines, 2015. Collection method: clinical testing. Allele origin: germline. Affected: yes.
Comment: This variant is classified as Likely pathogenic. Evidence in support of pathogenic classification: Variant is predicted to cause nonsense-mediated decay (NMD) and loss of protein (premature termination codon is located at least 54 nucleotides upstream of the final exon-exon junction); Variant is absent from gnomAD (v2, v3 and v4); Other NMD-predicted variants comparable to the one identified in this case have strong previous evidence for pathogenicity (ClinVar). Additional information: This variant is heterozygous; This gene is associated with both recessive and dominant disease (OMIM); This variant has no previous evidence of pathogenicity; No published functional evidence has been identified for this variant; Variant is located in the annotated A-band and the exon has a PSI score of 100% (PMID: 25589632); The condition associated with this gene has incomplete penetrance. Variants in this gene that result in a premature termination codon (PTC) are known to have reduced penetrance in DCM (PMID: 25589632).

Labcorp Genetics (formerly Invitae), Labcorp
Classification: Likely pathogenic for Dilated cardiomyopathy 1G; Autosomal recessive limb-girdle muscular dystrophy type 2J. Last evaluated: 2022-04-24. Review status: criteria provided, single submitter. Criteria: Invitae Variant Classification Sherloc (09022015). Collection method: clinical testing. Allele origin: germline.
Comment: This variant has not been reported in the literature in individuals affected with TTN-related conditions. In summary, the currently available evidence indicates that the variant is pathogenic, but additional data are needed to prove that conclusively. Therefore, this variant has been classified as Likely Pathogenic. This variant is located in the A band of TTN (PMID: 25589632). Truncating variants in this region are significantly overrepresented in patients affected with dilated cardiomyopathy (PMID: 25589632). Truncating variants in this region have also been reported in individuals affected with autosomal recessive centronuclear myopathy (PMID: 23975875). This variant is not present in population databases (gnomAD no frequency). This sequence change creates a premature translational stop signal (p.Phe26982Valfs*2) in the TTN gene. While this is not anticipated to result in nonsense mediated decay, it is expected to create a truncated TTN protein.

Literature cited by the submitters: PubMed 25589632 (cited by Victorian Clinical Genetics Services, Murdoch Childrens Research Institute and Labcorp Genetics (formerly Invitae), Labcorp); PubMed 23975875 (cited by Labcorp Genetics (formerly Invitae), Labcorp).